The following is an entry in ClinVar:

NM_019066.5(MAGEL2):c.917C>T (p.Ala306Val)

Gene: MAGEL2 (MAGE family member L2; minus strand). Cytogenetic location: 15q11.2.
Variant type: single nucleotide variant.
Coding change: c.917C>T on transcript NM_019066.5 (MANE Select); coding-DNA position 917, C replaced by T.
Protein change: p.Ala306Val; replaces alanine 306 with valine.
Molecular consequence: missense variant.
Genome position (GRCh38, 1-based): chr15:23,646,826, G>A on the plus strand (C>T on the coding strand, the complement: MAGEL2 is on the minus strand). VCF-style: chr15-23646826-G-A. GRCh37 (hg19) VCF-style: chr15-23891973-G-A.
Other names: short protein forms A306V.
Identifiers: ClinVar variation 2629567 (VCV002629567.1), dbSNP rs754728531, ClinGen allele CA7430068.

ClinVar aggregate classification (germline): Uncertain significance (1 of 4 stars; one submission).

Conditions:
MAGEL2-related disorder. Also called: MAGEL2-related condition.

Allele frequency attached by ClinVar (database versions not stated): gnomAD exomes 0.00001; ExAC 0.00008.

Submission:

PreventionGenetics, part of Exact Sciences
Classification: Uncertain significance for MAGEL2-related condition. Last evaluated: 2023-03-22. Review status: criteria provided, single submitter. Criteria: ACMG Guidelines, 2015. Collection method: clinical testing. Allele origin: germline.
Comment: The MAGEL2 c.917C>T variant is predicted to result in the amino acid substitution p.Ala306Val. To our knowledge, this variant has not been reported in the literature. This variant is reported in 0.013% of alleles in individuals of South Asian descent in gnomAD. This variant is interpreted as no interpretation set.